The following is an entry in ClinVar:

ClinVar aggregate classification (germline): Uncertain significance (1 of 4 stars; one submission).

Conditions:
Senior-Loken syndrome 8 (SLSN8). Identifiers: Orphanet 3156, MedGen C4225376, MONDO:0014579, OMIM 616307.
Asphyxiating thoracic dystrophy 5 (SRTD5). Also called: SHORT-RIB THORACIC DYSPLASIA 5 WITHOUT POLYDACTYLY; SHORT-RIB THORACIC DYSPLASIA 5 WITH OR WITHOUT POLYDACTYLY. Identifiers: Orphanet 474, MedGen C3280598, MONDO:0013717, OMIM 614376.

gnomAD v4.1: 1 of 1,613,508 alleles (0.000062%); highest among the groups gnomAD compares: Non-Finnish European, 0.000085%; no homozygotes.

Submission:

Labcorp Genetics (formerly Invitae), Labcorp
Classification: Uncertain significance for Senior-Loken syndrome 8; Asphyxiating thoracic dystrophy 5. Last evaluated: 2025-06-12. Review status: criteria provided, single submitter. Criteria: Invitae Variant Classification Sherloc (09022015). Collection method: clinical testing. Allele origin: germline.
Comment: This sequence change replaces alanine, which is neutral and non-polar, with valine, which is neutral and non-polar, at codon 723 of the WDR19 protein (p.Ala723Val). This variant is not present in population databases (gnomAD no frequency). This variant has not been reported in the literature in individuals affected with WDR19-related conditions. ClinVar contains an entry for this variant (Variation ID: 3748462). Invitae Evidence Modeling of protein sequence and biophysical properties (such as structural, functional, and spatial information, amino acid conservation, physicochemical variation, residue mobility, and thermodynamic stability) has been performed for this missense variant. However, the output from this modeling did not meet the statistical confidence thresholds required to predict the impact of this variant on WDR19 protein function. In summary, the available evidence is currently insufficient to determine the role of this variant in disease. Therefore, it has been classified as a Variant of Uncertain Significance.

NM_025132.4(WDR19):c.2168C>T (p.Ala723Val)

Gene: WDR19 (WD repeat domain 19; plus strand). Cytogenetic location: 4p14.
Variant type: single nucleotide variant.
Coding change: c.2168C>T on transcript NM_025132.4 (MANE Select); coding-DNA position 2168, C replaced by T.
Protein change: p.Ala723Val; replaces alanine 723 with valine.
Molecular consequence: missense variant.
Genome position (GRCh38, 1-based): chr4:39,232,187, C>T. VCF-style: chr4-39232187-C-T. GRCh37 (hg19) VCF-style: chr4-39233807-C-T.
Other names: c.1688C>T, p.Ala563Val (NM_001317924.2); short protein forms A563V, A723V.
Identifiers: ClinVar variation 3748462 (VCV003748462.2).